The following is an entry in ClinVar:

NM_014324.6(AMACR):c.352C>T (p.Arg118Trp)

Genes: AMACR (alpha-methylacyl-CoA racemase; minus strand), C1QTNF3-AMACR (C1QTNF3-AMACR readthrough (NMD candidate); minus strand). Cytogenetic location: 5p13.2.
Variant type: single nucleotide variant.
Coding change: c.352C>T on transcript NM_014324.6 (MANE Select); coding-DNA position 352, C replaced by T.
Protein change: p.Arg118Trp; replaces arginine 118 with tryptophan.
Molecular consequence: missense variant. On other transcripts: non-coding transcript variant (1).
Genome position (GRCh38, 1-based): chr5:34,005,795, G>A on the plus strand (C>T on the coding strand, the complement: AMACR is on the minus strand). VCF-style: chr5-34005795-G-A. GRCh37 (hg19) VCF-style: chr5-34005900-G-A.
Other names: c.352C>T, p.Arg118Trp (NM_001167595.2, NM_203382.3); short protein forms R118W.
Identifiers: ClinVar variation 1941978 (VCV001941978.2), dbSNP rs763403225, ClinGen allele CA3226238.
Genomic context (GRCh38, chr5:34,005,795, plus strand): 5'-CTAAATTTTTTTTCAACATACCTGACAAAGCCAAATAGTTGATATCGTGGCCAGCTAACC[G>A]GCAGAAGCTTCCTGACTGGCCAAATCCACTCAGCCTGGCATAAATAAGCCTTGGATTTTC-3'
Protein context (NP_055139.4, residues 108-128): SGFGQSGSFC[Arg118Trp]LAGHDINYLA

ClinVar aggregate classification (germline): Uncertain significance (1 of 4 stars; one submission).

Conditions:
Alpha-methylacyl-CoA racemase deficiency (AMACRD). Also called: AMACR deficiency. Identifiers: Orphanet 79095, MedGen C3280428, MONDO:0013681, OMIM 614307. Disease mechanism: loss of function.

Allele frequency attached by ClinVar (database versions not stated): gnomAD 0.00001; TOPMed 0.00002.
gnomAD v4.1: 21 of 1,613,866 alleles (0.0013%); highest among the groups gnomAD compares: South Asian, 0.013%; no homozygotes.

Submission:

Labcorp Genetics (formerly Invitae), Labcorp
Classification: Uncertain significance for Alpha-methylacyl-CoA racemase deficiency. Last evaluated: 2022-05-31. Review status: criteria provided, single submitter. Criteria: Invitae Variant Classification Sherloc (09022015). Collection method: clinical testing. Allele origin: germline.
Comment: This sequence change replaces arginine, which is basic and polar, with tryptophan, which is neutral and slightly polar, at codon 118 of the AMACR protein (p.Arg118Trp). This variant is present in population databases (rs763403225, gnomAD 0.01%). This variant has not been reported in the literature in individuals affected with AMACR-related conditions. Algorithms developed to predict the effect of missense changes on protein structure and function are either unavailable or do not agree on the potential impact of this missense change (SIFT: "Tolerated"; PolyPhen-2: "Possibly Damaging"; Align-GVGD: "Class C0"). In summary, the available evidence is currently insufficient to determine the role of this variant in disease. Therefore, it has been classified as a Variant of Uncertain Significance.